The following is an entry in ClinVar:

ClinVar aggregate classification (germline): Uncertain significance (1 of 4 stars; one submission).

Conditions:
DDX6-related disorder. Also called: DDX6-related condition.

Submission:

PreventionGenetics, part of Exact Sciences
Classification: Uncertain significance for DDX6-related condition. Last evaluated: 2023-04-18. Review status: criteria provided, single submitter. Criteria: ACMG Guidelines, 2015. Collection method: clinical testing. Allele origin: germline.
Comment: The DDX6 c.1036C>T variant is predicted to result in premature protein termination (p.Arg346*). To our knowledge, this variant has not been reported in the literature or in a large population database, indicating this variant is rare. No protein-truncating variants have been reported in this gene to date (Human Gene Mutation Database). Although we suspect that this variant may be pathogenic, at this time, the clinical significance of this variant is uncertain due to the absence of conclusive functional and genetic evidence.

NM_004397.6(DDX6):c.1036C>T (p.Arg346Ter)

Gene: DDX6 (DEAD-box helicase 6; minus strand). Cytogenetic location: 11q23.3.
Variant type: single nucleotide variant.
Coding change: c.1036C>T on transcript NM_004397.6 (MANE Select); coding-DNA position 1036, C replaced by T.
Protein change: p.Arg346Ter; replaces arginine 346 with a stop codon.
Molecular consequence: nonsense.
Genome position (GRCh38, 1-based): chr11:118,757,245, G>A on the plus strand (C>T on the coding strand, the complement: DDX6 is on the minus strand). VCF-style: chr11-118757245-G-A. GRCh37 (hg19) VCF-style: chr11-118627954-G-A.
Other names: c.1036C>T, p.Arg346Ter (NM_001257191.3); short protein forms R346*.
Identifiers: ClinVar variation 2632895 (VCV002632895.1), dbSNP rs2501296946, ClinGen allele CA382887783.